The following is an entry in ClinVar:

NM_015512.5(DNAH1):c.12245C>T (p.Ser4082Leu)

Gene: DNAH1 (dynein axonemal heavy chain 1; plus strand). Cytogenetic location: 3p21.1.
Variant type: single nucleotide variant.
Coding change: c.12245C>T on transcript NM_015512.5 (MANE Select); coding-DNA position 12245, C replaced by T.
Protein change: p.Ser4082Leu; replaces serine 4082 with leucine.
Molecular consequence: missense variant.
Genome position (GRCh38, 1-based): chr3:52,399,005, C>T. VCF-style: chr3-52399005-C-T. GRCh37 (hg19) VCF-style: chr3-52433021-C-T.
Other names: short protein forms S4082L.
Identifiers: ClinVar variation 2937508 (VCV002937508.3), dbSNP rs1236314274, ClinGen allele CA353085840.

ClinVar aggregate classification (germline): Uncertain significance (1 of 4 stars; one submission).

Conditions:
Spermatogenic failure 18. Identifiers: MedGen C4539783, MONDO:0054615, OMIM 617576.
Ciliary dyskinesia, primary, 37 (CILD37). Also called: CILIARY DYSKINESIA, PRIMARY, 37, WITH OR WITHOUT SITUS INVERSUS. Identifiers: MedGen C4539798, MONDO:0033204, OMIM 617577.

Allele frequency attached by ClinVar (database versions not stated): TOPMed below 0.00001; gnomAD 0.00001; gnomAD exomes 0.00001.
gnomAD v4.1: 11 of 1,613,874 alleles (0.00068%); highest among the groups gnomAD compares: East Asian, 0.0022%; no homozygotes.

Submission:

Labcorp Genetics (formerly Invitae), Labcorp
Classification: Uncertain significance for Ciliary dyskinesia, primary, 37; Spermatogenic failure 18. Last evaluated: 2023-06-25. Review status: criteria provided, single submitter. Criteria: Invitae Variant Classification Sherloc (09022015). Collection method: clinical testing. Allele origin: germline.
Comment: In summary, the available evidence is currently insufficient to determine the role of this variant in disease. Therefore, it has been classified as a Variant of Uncertain Significance. Advanced modeling of protein sequence and biophysical properties (such as structural, functional, and spatial information, amino acid conservation, physicochemical variation, residue mobility, and thermodynamic stability) performed at Invitae indicates that this missense variant is expected to disrupt DNAH1 protein function. This variant has not been reported in the literature in individuals affected with DNAH1-related conditions. This variant is not present in population databases (gnomAD no frequency). This sequence change replaces serine, which is neutral and polar, with leucine, which is neutral and non-polar, at codon 4082 of the DNAH1 protein (p.Ser4082Leu).